The following is an entry in ClinVar:

ClinVar aggregate classification (germline): Likely benign. Review status: criteria provided, multiple submitters, no conflicts (2 of 4 stars). 2 submissions from 2 submitters: Likely benign (2). Last evaluated 2025-03-25.

Conditions:
ABCA3-related disorder. Also called: ABCA3-related condition.

Allele frequency attached by ClinVar (database versions not stated): gnomAD exomes below 0.00001; TOPMed below 0.00001; ExAC 0.00001; gnomAD 0.00001.
gnomAD v4.1: 7 of 1,612,912 alleles (0.00043%); highest among the groups gnomAD compares: Non-Finnish European, 0.00051%; no homozygotes.

Submissions (2):

PreventionGenetics, part of Exact Sciences
Classification: Likely benign for ABCA3-related condition. Last evaluated: 2025-03-25. Review status: criteria provided, single submitter. Criteria: ACMG Guidelines, 2015. Collection method: clinical testing. Allele origin: germline.
Comment: This variant is classified as likely benign based on ACMG/AMP sequence variant interpretation guidelines (Richards et al. 2015 PMID: 25741868, with internal and published modifications).

Labcorp Genetics (formerly Invitae), Labcorp
Classification: Likely benign. Last evaluated: 2023-09-29. Review status: criteria provided, single submitter. Criteria: Invitae Variant Classification Sherloc (09022015). Collection method: clinical testing. Allele origin: germline.

NM_001089.3(ABCA3):c.4815C>T (p.Phe1605=)

Gene: ABCA3 (ATP binding cassette subfamily A member 3; minus strand). Cytogenetic location: 16p13.3.
Variant type: single nucleotide variant.
Coding change: c.4815C>T on transcript NM_001089.3 (MANE Select); coding-DNA position 4815, C replaced by T.
Protein change: p.Phe1605=; no amino-acid change (phenylalanine 1605 retained).
Molecular consequence: synonymous variant.
Genome position (GRCh38, 1-based): chr16:2,277,973, G>A on the plus strand (C>T on the coding strand, the complement: ABCA3 is on the minus strand). VCF-style: chr16-2277973-G-A. GRCh37 (hg19) VCF-style: chr16-2327974-G-A.
Other names: c.4815C>T (NM_001089.2).
Identifiers: ClinVar variation 2961970 (VCV002961970.4), dbSNP rs746665862, ClinGen allele CA7840012.